The following is an entry in ClinVar:

NM_032043.3(BRIP1):c.*3450T>C

Gene: BRIP1 (BRCA1 interacting DNA helicase 1; minus strand). Cytogenetic location: 17q23.2.
Variant type: single nucleotide variant.
Coding change: c.*3450T>C on transcript NM_032043.3 (MANE Select); 3450 bases downstream of the stop codon, T replaced by C.
Molecular consequence: 3 prime UTR variant.
Genome position (GRCh38, 1-based): chr17:61,679,846, A>G on the plus strand (T>C on the coding strand, the complement: BRIP1 is on the minus strand). VCF-style: chr17-61679846-A-G. GRCh37 (hg19) VCF-style: chr17-59757207-A-G.
Identifiers: ClinVar variation 324296 (VCV000324296.5), dbSNP rs74859843, ClinGen allele CA10646312.

ClinVar aggregate classification (germline): Benign (1 of 4 stars; one submission).

Conditions:
Fanconi anemia complementation group J. Also called: BRIP1-Related Fanconi Anemia. Identifiers: Orphanet 84, MedGen C1836860, MONDO:0012187, OMIM 609054.

Allele frequency attached by ClinVar (database versions not stated): gnomAD 0.00088 and 0.00141; TOPMed 0.00138; 1000 Genomes Project 30x 0.01031; 1000 Genomes Project 0.01038.
gnomAD v4.1: 216 of 152,296 alleles (0.14%); highest among the groups gnomAD compares: East Asian, 3.5%; 5 homozygotes.

Submission:

Illumina Laboratory Services, Illumina
Classification: Benign for Fanconi anemia complementation group J. Last evaluated: 2018-01-13. Review status: criteria provided, single submitter. Criteria: ICSL Variant Classification Criteria 13 December 2019. Collection method: clinical testing. Allele origin: germline.
Comment: This variant was observed in the ICSL laboratory as part of a predisposition screen in an ostensibly healthy population. It had not been previously curated by ICSL or reported in the Human Gene Mutation Database (HGMD: prior to June 1st, 2018), and was therefore a candidate for classification through an automated scoring system. Utilizing variant allele frequency, disease prevalence and penetrance estimates, and inheritance mode, an automated score was calculated to assess if this variant is too frequent to cause the disease. Based on the score and internal cut-off values, a variant classified as benign is not then subjected to further curation. The score for this variant resulted in a classification of benign for this disease.